The following is an entry in ClinVar:

ClinVar aggregate classification (germline): Uncertain significance (1 of 4 stars; one submission).

Conditions:
Bethlem myopathy 1A. Also called: Bethlem Muscular Dystrophy; MYOPATHY, BENIGN CONGENITAL, WITH CONTRACTURES; Bethlem myopathy 1. Identifiers: Orphanet 610, MedGen CN029274, MONDO:0024530, OMIM 158810.

Submission:

Labcorp Genetics (formerly Invitae), Labcorp
Classification: Uncertain significance for Bethlem myopathy 1A. Last evaluated: 2022-07-12. Review status: criteria provided, single submitter. Criteria: Invitae Variant Classification Sherloc (09022015). Collection method: clinical testing. Allele origin: germline.
Comment: This sequence change replaces tyrosine, which is neutral and polar, with histidine, which is basic and polar, at codon 498 of the COL6A3 protein (p.Tyr498His). This variant is not present in population databases (gnomAD no frequency). This variant has not been reported in the literature in individuals affected with COL6A3-related conditions. ClinVar contains an entry for this variant (Variation ID: 1046711). Advanced modeling of protein sequence and biophysical properties (such as structural, functional, and spatial information, amino acid conservation, physicochemical variation, residue mobility, and thermodynamic stability) performed at Invitae indicates that this missense variant is not expected to disrupt COL6A3 protein function. In summary, the available evidence is currently insufficient to determine the role of this variant in disease. Therefore, it has been classified as a Variant of Uncertain Significance.

NM_004369.4(COL6A3):c.1492T>C (p.Tyr498His)

Gene: COL6A3 (collagen type VI alpha 3 chain; minus strand). Cytogenetic location: 2q37.3.
Variant type: single nucleotide variant.
Coding change: c.1492T>C on transcript NM_004369.4 (MANE Select); coding-DNA position 1492, T replaced by C.
Protein change: p.Tyr498His; replaces tyrosine 498 with histidine.
Molecular consequence: missense variant.
Genome position (GRCh38, 1-based): chr2:237,381,320, A>G on the plus strand (T>C on the coding strand, the complement: COL6A3 is on the minus strand). VCF-style: chr2-237381320-A-G. GRCh37 (hg19) VCF-style: chr2-238289963-A-G.
Other names: c.271T>C, p.Tyr91His (NM_057164.5, NM_057166.5); c.874T>C, p.Tyr292His (NM_057165.5, NM_057167.4); short protein forms Y292H, Y91H, Y498H.
Identifiers: ClinVar variation 1046711 (VCV001046711.9), dbSNP rs2077999753, ClinGen allele CA351217897.